The following is an entry in ClinVar:

ClinVar aggregate classification (germline): Conflicting classifications of pathogenicity. Review status: criteria provided, conflicting classifications (1 of 4 stars). 2 submissions from 2 submitters: Pathogenic (1); Uncertain significance (1). Last evaluated 2020-01-20.

Conditions:
Autosomal recessive limb-girdle muscular dystrophy type 2A (LGMDR1). Also called: LEYDEN-MOEBIUS MUSCULAR DYSTROPHY; MUSCULAR DYSTROPHY, PELVOFEMORAL; Limb-girdle muscular dystrophy, type 2A; Calpainopathy; Muscular dystrophy, limb-girdle, type 2A, Amish. Identifiers: Orphanet 267, MedGen C1869123, MONDO:0009675, OMIM 253600. Disease mechanism: loss of function.

gnomAD v4.1: 3 of 1,614,104 alleles (0.00019%); highest among the groups gnomAD compares: Non-Finnish European, 0.00025%; no homozygotes.

Submissions (2):

Labcorp Genetics (formerly Invitae), Labcorp
Classification: Pathogenic for Autosomal recessive limb-girdle muscular dystrophy type 2A. Last evaluated: 2020-01-20. Review status: criteria provided, single submitter. Criteria: Invitae Variant Classification Sherloc (09022015). Collection method: clinical testing. Allele origin: germline.
Comment: For these reasons, this variant has been classified as Pathogenic. This variant disrupts the p.Asp707 amino acid residue in CAPN3. Other variant(s) that disrupt this residue have been determined to be pathogenic (PMID: 10567047, 11525884, 25252031, 26632398). This suggests that this residue is clinically significant, and that variants that disrupt this residue are likely to be disease-causing. This sequence change replaces aspartic acid with histidine at codon 707 of the CAPN3 protein (p.Asp707His). The aspartic acid residue is highly conserved and there is a moderate physicochemical difference between aspartic acid and histidine. This variant is not present in population databases (ExAC no frequency). This variant has been observed in individual(s) with clinical features of autosomal recessive limb-girdle muscular dystrophy (Invitae). It has also been observed to segregate with disease in related individuals. ClinVar contains an entry for this variant (Variation ID: 290334). Advanced modeling of protein sequence and biophysical properties (such as structural, functional, and spatial information, amino acid conservation, physicochemical variation, residue mobility, and thermodynamic stability) performed at Invitae indicates that this missense variant is expected to disrupt CAPN3 protein function.

Eurofins Ntd Llc (ga)
Classification: Uncertain significance. Last evaluated: 2016-09-14. Review status: criteria provided, single submitter. Criteria: EGL Classification Definitions 2015. Collection method: clinical testing. Allele origin: germline. Observed: 1 variant allele, 1 heterozygote.

Literature cited by the submitters: PubMed 10567047 (cited by Labcorp Genetics (formerly Invitae), Labcorp); PubMed 11525884 (cited by Labcorp Genetics (formerly Invitae), Labcorp); PubMed 25252031 (cited by Labcorp Genetics (formerly Invitae), Labcorp); PubMed 26632398 (cited by Labcorp Genetics (formerly Invitae), Labcorp).

NM_000070.3(CAPN3):c.2119G>C (p.Asp707His)

Gene: CAPN3 (calpain 3; plus strand). Cytogenetic location: 15q15.1.
Variant type: single nucleotide variant.
Coding change: c.2119G>C on transcript NM_000070.3 (MANE Select); coding-DNA position 2119, G replaced by C.
Protein change: p.Asp707His; replaces aspartic acid 707 with histidine.
Molecular consequence: missense variant.
Genome position (GRCh38, 1-based): chr15:42,410,431, G>C. VCF-style: chr15-42410431-G-C. GRCh37 (hg19) VCF-style: chr15-42702629-G-C.
Other names: c.2101G>C, p.Asp701His (NM_024344.2); c.1843G>C, p.Asp615His (NM_173087.2); c.583G>C, p.Asp195His (NM_173088.2); c.124G>C, p.Asp42His (NM_173089.2, NM_173090.2); short protein forms D707H, D195H, D42H, D615H, D701H.
Identifiers: ClinVar variation 290334 (VCV000290334.14), dbSNP rs886044427, ClinGen allele CA10606740.